The following is an entry in ClinVar:

ClinVar aggregate classification (germline): Uncertain significance. Review status: criteria provided, multiple submitters, no conflicts (2 of 4 stars). 3 submissions from 3 submitters: Uncertain significance (3). Last evaluated 2025-08-07.

Conditions:
Costello syndrome (CSTLO). Also called: HRAS-Related Costello Syndrome; FACIOCUTANEOSKELETAL SYNDROME; FCS SYNDROME. Identifiers: Orphanet 3071, MedGen C0587248, MONDO:0009026, OMIM 218040.
Epidermal nevus. Also called: NEVUS, KERATINOCYTIC, NONEPIDERMOLYTIC; Nevus, epidermal, somatic. Identifiers: Orphanet 79414, MedGen C0334082, MONDO:0008093, OMIM 162900, HP:0010816.
Thyroid cancer, nonmedullary, 2 (NMTC2). Also called: THYROID CARCINOMA, FOLLICULAR; Thyroid carcinoma, follicular, somatic; THYROID CANCER, NONMEDULLARY, 2, SUSCEPTIBILITY TO. Identifiers: MedGen C4225426, MONDO:0008566, OMIM 188470.
Large congenital melanocytic nevus (CMNS). Also called: Giant congenital nevus; Giant hairy nevus; Bathing trunk nevus; Congenital giant pigmented nevus; MELANOCYTIC NEVUS SYNDROME, CONGENITAL, SOMATIC; PIGMENTED MOLES. Identifiers: Orphanet 626, MedGen C1842036, MONDO:0044792, OMIM 137550, HP:0005600.
Linear nevus sebaceous syndrome. Also called: JADASSOHN NEVUS PHAKOMATOSIS; NEVUS SEBACEUS OF JADASSOHN; ORGANOID NEVUS PHAKOMATOSIS; SFM SYNDROME; Nevus, Sebaceous of Jadassohn; Sebaceous nevus syndrome and hemimegalencephaly. Identifiers: Orphanet 2612, MedGen C4552097, MONDO:0008097, OMIM 163200, HP:0010817.
Malignant tumor of urinary bladder. Also called: Bladder cancer; Urinary bladder cancer; Urinary Bladder Neoplasms. Identifiers: MedGen C0005684, MONDO:0001187, OMIM 109800.
Cardiovascular phenotype. Identifiers: MedGen CN230736.

Allele frequency attached by ClinVar (database versions not stated): gnomAD exomes below 0.00001; TOPMed below 0.00001; gnomAD 0.00001.
gnomAD v4.1: 7 of 1,613,368 alleles (0.00043%); highest among the groups gnomAD compares: Non-Finnish European, 0.00059%; no homozygotes.

Submissions (3):

Labcorp Genetics (formerly Invitae), Labcorp
Classification: Uncertain significance for Costello syndrome. Last evaluated: 2025-08-07. Review status: criteria provided, single submitter. Criteria: Invitae Variant Classification Sherloc (09022015). Collection method: clinical testing. Allele origin: germline.
Comment: This sequence change replaces tyrosine, which is neutral and polar, with serine, which is neutral and polar, at codon 137 of the HRAS protein (p.Tyr137Ser). This variant is present in population databases (no rsID available, gnomAD 0.0009%). This variant has not been reported in the literature in individuals affected with HRAS-related conditions. ClinVar contains an entry for this variant (Variation ID: 835903). Invitae Evidence Modeling of protein sequence and biophysical properties (such as structural, functional, and spatial information, amino acid conservation, physicochemical variation, residue mobility, and thermodynamic stability) indicates that this missense variant is expected to disrupt HRAS protein function with a positive predictive value of 80%. In summary, the available evidence is currently insufficient to determine the role of this variant in disease. Therefore, it has been classified as a Variant of Uncertain Significance.

Ambry Genetics
Classification: Uncertain significance for Cardiovascular phenotype. Last evaluated: 2021-10-06. Review status: criteria provided, single submitter. Criteria: Ambry Variant Classification Scheme 2023. Collection method: clinical testing. Allele origin: germline.
Comment: The p.Y137S variant (also known as c.410A>C), located in coding exon 3 of the HRAS gene, results from an A to C substitution at nucleotide position 410. The tyrosine at codon 137 is replaced by serine, an amino acid with dissimilar properties. This amino acid position is conserved. In addition, the in silico prediction for this alteration is inconclusive. Since supporting evidence is limited at this time, the clinical significance of this alteration remains unclear.

Fulgent Genetics
Classification: Uncertain significance for Malignant tumor of urinary bladder; Large congenital melanocytic nevus; Epidermal nevus; Linear nevus sebaceous syndrome; Thyroid cancer, nonmedullary, 2; Costello syndrome. Last evaluated: 2021-07-21. Review status: criteria provided, single submitter. Criteria: ACMG Guidelines, 2015. Collection method: clinical testing. Allele origin: unknown.

NM_005343.4(HRAS):c.410A>C (p.Tyr137Ser)

Genes: HRAS (HRas proto-oncogene, GTPase; minus strand), LRRC56 (leucine rich repeat containing 56; plus strand). Cytogenetic location: 11p15.5.
Variant type: single nucleotide variant.
Coding change: c.410A>C on transcript NM_005343.4 (MANE Select); coding-DNA position 410, A replaced by C.
Protein change: p.Tyr137Ser; replaces tyrosine 137 with serine.
Molecular consequence: missense variant.
Genome position (GRCh38, 1-based): chr11:533,493, T>G on the plus strand (A>C on the coding strand, the complement: HRAS is on the minus strand). VCF-style: chr11-533493-T-G. GRCh37 (hg19) VCF-style: chr11-533493-T-G.
Other names: c.410A>C, p.Tyr137Ser (NM_001130442.3, NM_176795.5); c.91A>C, p.Thr31Pro (NM_001318054.2); short protein forms T31P, Y137S.
Identifiers: ClinVar variation 835903 (VCV000835903.13), dbSNP rs1180561549, ClinGen allele CA378922941.